The following is an entry in ClinVar:

ClinVar aggregate classification (germline): Conflicting classifications of pathogenicity. Review status: criteria provided, conflicting classifications (1 of 4 stars). 3 submissions from 3 submitters: Likely pathogenic (2); Uncertain significance (1). Last evaluated 2020-07-23.

Conditions:
3-Methylglutaconic aciduria type 2 (BTHS). Also called: Barth syndrome; CARDIOSKELETAL MYOPATHY WITH NEUTROPENIA AND ABNORMAL MITOCHONDRIA. Identifiers: Orphanet 111, MedGen C0574083, MONDO:0010543, OMIM 302060.

Submissions (3):

Molecular Diagnostics Lab, Nemours Children's Health, Delaware
Classification: Uncertain significance for 3-Methylglutaconic aciduria type 2. Last evaluated: 2020-07-23. Review status: criteria provided, single submitter. Criteria: ACMG Guidelines, 2015. Collection method: clinical testing. Allele origin: unknown. Inheritance: X-linked inheritance. Affected: yes. Observed: 1 hemizygote.

Labcorp Genetics (formerly Invitae), Labcorp
Classification: Likely pathogenic for 3-Methylglutaconic aciduria type 2. Last evaluated: 2020-03-25. Review status: criteria provided, single submitter. Criteria: Invitae Variant Classification Sherloc (09022015). Collection method: clinical testing. Allele origin: germline.
Comment: In summary, the currently available evidence indicates that the variant is pathogenic, but additional data are needed to prove that conclusively. Therefore, this variant has been classified as Likely Pathogenic. This variant disrupts the p.Gly197 amino acid residue in TAZ. Other variant(s) that disrupt this residue have been determined to be pathogenic (PMID: 9382096, 23656970, 14654353). This suggests that this residue is clinically significant, and that variants that disrupt this residue are likely to be disease-causing. Algorithms developed to predict the effect of missense changes on protein structure and function are either unavailable or do not agree on the potential impact of this missense change (SIFT: "Not Available"; PolyPhen-2: "Probably Damaging"; Align-GVGD: "Not Available"). This variant has been observed in an individual affected with Barth syndrome (PMID: 9345098). ClinVar contains an entry for this variant (Variation ID: 42264). This variant is not present in population databases (ExAC no frequency). This sequence change replaces glycine with glutamic acid at codon 197 of the TAZ protein (p.Gly197Glu). The glycine residue is highly conserved and there is a moderate physicochemical difference between glycine and glutatmic acid.

Laboratory for Molecular Medicine, Mass General Brigham Personalized Medicine
Classification: Likely pathogenic for 3-Methylglutaconic aciduria type 2. Last evaluated: 2012-07-24. Review status: criteria provided, single submitter. Criteria: LMM Criteria. Collection method: clinical testing. Allele origin: germline. Inheritance: X-linked inheritance. Observed: 1 variant allele.
Comment: This variant has not been identified in large and broad European American and African American populations by the NHLBI Exome Sequencing Project. This low frequency is consistent with a disease causing role but insufficient to esta blish this with confidence. Computational analyses (biochemical amino acid prope rties, conservation, PolyPhen2, and SIFT) suggest that this variant may impact t he protein, though this information is not predictive enough to determine pathog enicity. Finally, the majority of TAZ variants are pathogenic (.org) and other variants at this position (Gly197Arg, Gly197Trp, Gly197Val) have been reported in individual's the Barth syndrome. In summary, this variant is l ikely to be pathogenic, though additional studies are required to fully establis h its clinical significance.

Literature cited by the submitters: PubMed 9345058 (cited by Molecular Diagnostics Lab, Nemours Children's Health, Delaware); PubMed 1719174 (cited by Molecular Diagnostics Lab, Nemours Children's Health, Delaware and Laboratory for Molecular Medicine, Mass General Brigham Personalized Medicine); PubMed 9382096 (cited by Labcorp Genetics (formerly Invitae), Labcorp); PubMed 23656970 (cited by Labcorp Genetics (formerly Invitae), Labcorp); PubMed 14654353 (cited by Labcorp Genetics (formerly Invitae), Labcorp); PubMed 9345098 (cited by Labcorp Genetics (formerly Invitae), Labcorp and Laboratory for Molecular Medicine, Mass General Brigham Personalized Medicine).

NM_000116.5(TAFAZZIN):c.590G>A (p.Gly197Glu)

Gene: TAFAZZIN (tafazzin, phospholipid-lysophospholipid transacylase; plus strand). Cytogenetic location: Xq28.
Variant type: single nucleotide variant.
Coding change: c.590G>A on transcript NM_000116.5 (MANE Select); coding-DNA position 590, G replaced by A.
Protein change: p.Gly197Glu; replaces glycine 197 with glutamic acid.
Molecular consequence: missense variant. On other transcripts: non-coding transcript variant (1).
Genome position (GRCh38, 1-based): chrX:154,420,038, G>A. VCF-style: chrX-154420038-G-A. GRCh37 (hg19) VCF-style: chrX-153648377-G-A.
Other names: c.602G>A, p.Gly201Glu (NM_001303465.2); c.500G>A, p.Gly167Glu (NM_181311.4); c.548G>A, p.Gly183Glu (NM_181312.4); c.458G>A, p.Gly153Glu (NM_181313.4); short protein forms G197E, G167E, G153E, G183E, G201E.
Identifiers: ClinVar variation 42264 (VCV000042264.10), dbSNP rs397515746, ClinGen allele CA261286.
Genomic context (GRCh38, chrX:154,420,038, plus strand): 5'-AAGCTTGGCTCAGGGCCCAGCTTATGCTAACATTTCTACCTCCCCCCTGGGCAGGAATCG[G>A]GCGCCTGATTGCTGAGTGTCATCTCAACCCCATCATCCTGCCCCTGTGGCATGTCGGTGA-3'
Protein context (NP_000107.1, residues 187-207): SEFLRFKWGI[Gly197Glu]RLIAECHLNP